The following is an entry in ClinVar:

NM_006506.5(RASA2):c.45_77dup (p.Pro16_Ala26dup)

Genes: RASA2 (RAS p21 protein activator 2; plus strand), LOC129937686 (ATAC-STARR-seq lymphoblastoid silent region 14777; plus strand). Cytogenetic location: 3q23.
Variant type: Duplication.
Coding change: c.45_77dup on transcript NM_006506.5 (MANE Select); coding-DNA positions 45 to 77, 33 bases duplicated.
Protein change: p.Pro16_Ala26dup.
Molecular consequence: inframe insertion.
Genome position (GRCh38, 1-based): chr3:141,487,128-141,487,160, 33 bases duplicated; duplicating any 33 consecutive bases within chr3:141,487,121-141,487,160 gives the same sequence; the c. name uses the placement nearest the transcript's 3' end. GRCh37 (hg19): chr3:141,205,970-141,206,002.
Other names: c.45_77dup, p.Pro16_Ala26dup (NM_001303245.3, NM_001303246.3).
Identifiers: ClinVar variation 1461381 (VCV001461381.8), dbSNP rs2151062858, ClinGen allele CA1054272836.

ClinVar aggregate classification (germline): Uncertain significance (1 of 4 stars; one submission).

Submission:

Labcorp Genetics (formerly Invitae), Labcorp
Classification: Uncertain significance. Last evaluated: 2022-11-10. Review status: criteria provided, single submitter. Criteria: Invitae Variant Classification Sherloc (09022015). Collection method: clinical testing. Allele origin: germline.
Comment: This variant, c.45_77dup, results in the insertion of 11 amino acid(s) of the RASA2 protein (p.Pro16_Ala26dup), but otherwise preserves the integrity of the reading frame. This variant is not present in population databases (gnomAD no frequency). This variant has not been reported in the literature in individuals affected with RASA2-related conditions. ClinVar contains an entry for this variant (Variation ID: 1461381). Experimental studies and prediction algorithms are not available or were not evaluated, and the functional significance of this variant is currently unknown. In summary, the available evidence is currently insufficient to determine the role of this variant in disease. Therefore, it has been classified as a Variant of Uncertain Significance.